The following is an entry in ClinVar:

NM_001367943.1(TCF7L2):c.922G>A (p.Gly308Ser)

Gene: TCF7L2 (transcription factor 7 like 2; plus strand). Cytogenetic location: 10q25.3.
Variant type: single nucleotide variant.
Coding change: c.922G>A on transcript NM_001367943.1 (MANE Select); coding-DNA position 922, G replaced by A.
Protein change: p.Gly308Ser; replaces glycine 308 with serine.
Molecular consequence: missense variant.
Genome position (GRCh38, 1-based): chr10:113,151,044, G>A. VCF-style: chr10-113151044-G-A. GRCh37 (hg19) VCF-style: chr10-114910803-G-A.
Other names: c.922G>A, p.Gly308Ser (NM_001146274.2, NM_001198531.2, NM_001363501.2); c.994G>A, p.Gly332Ser (NM_001146283.2); c.841G>A, p.Gly281Ser (NM_001146284.2, NM_001198527.2); c.853G>A, p.Gly285Ser (NM_001146285.2, NM_001146286.2, NM_001198526.2 and 3 more transcripts); c.868G>A, p.Gly290Ser (NM_001198525.2); c.751G>A, p.Gly251Ser (NM_001198530.2); c.493G>A, p.Gly165Ser (NM_001349870.2); c.373G>A, p.Gly125Ser (NM_001349871.1); short protein forms G125S, G251S, G308S, G165S, G281S, G285S, G290S, G332S.
Identifiers: ClinVar variation 4749033 (VCV004749033.1).

ClinVar aggregate classification (germline): Uncertain significance (1 of 4 stars; one submission).

gnomAD v4.1: 4 of 1,614,088 alleles (0.00025%); highest among the groups gnomAD compares: Non-Finnish European, 0.00034%; no homozygotes.

Submission:

Labcorp Genetics (formerly Invitae), Labcorp
Classification: Uncertain significance. Last evaluated: 2025-12-07. Review status: criteria provided, single submitter. Criteria: Invitae Variant Classification Sherloc (09022015). Collection method: clinical testing. Allele origin: germline.
Comment: This sequence change replaces glycine, which is neutral and non-polar, with serine, which is neutral and polar, at codon 285 of the TCF7L2 protein (p.Gly285Ser). This variant is not present in population databases (gnomAD no frequency). This variant has not been reported in the literature in individuals affected with TCF7L2-related conditions. Invitae Evidence Modeling of protein sequence and biophysical properties (such as structural, functional, and spatial information, amino acid conservation, physicochemical variation, residue mobility, and thermodynamic stability) indicates that this missense variant is not expected to disrupt TCF7L2 protein function with a negative predictive value of 80%. In summary, the available evidence is currently insufficient to determine the role of this variant in disease. Therefore, it has been classified as a Variant of Uncertain Significance.